The following is an entry in ClinVar:

ClinVar aggregate classification (germline): Likely benign (1 of 4 stars; one submission).

Allele frequency attached by ClinVar (database versions not stated): gnomAD exomes 0.00035; ExAC 0.00050; gnomAD 0.00209; 1000 Genomes Project 30x 0.00234.
gnomAD v4.1: 516 of 764,906 alleles (0.067%); highest among the groups gnomAD compares: African/African-American, 0.67%; 17 homozygotes.

Submission:

CeGaT Center for Human Genetics Tuebingen
Classification: Likely benign. Last evaluated: 2023-01-01. Review status: criteria provided, single submitter. Criteria: CeGaT Center For Human Genetics Tuebingen Variant Classification Criteria Version 2. Collection method: clinical testing. Allele origin: germline. Affected: yes. Observed: 1 variant allele.
Comment: PSG4: BS2

NM_002780.5(PSG4):c.1250T>C (p.Ile417Thr)

Gene: PSG4 (pregnancy specific beta-1-glycoprotein 4; minus strand). Cytogenetic location: 19q13.31.
Variant type: single nucleotide variant.
Coding change: c.1250T>C on transcript NM_002780.5 (MANE Select); coding-DNA position 1250, T replaced by C.
Protein change: p.Ile417Thr; replaces isoleucine 417 with threonine.
Molecular consequence: missense variant.
Genome position (GRCh38, 1-based): chr19:43,193,382, A>G on the plus strand (T>C on the coding strand, the complement: PSG4 is on the minus strand). VCF-style: chr19-43193382-A-G. GRCh37 (hg19) VCF-style: chr19-43697534-A-G.
Other names: c.971T>C, p.Ile324Thr (NM_001276495.2, NM_213633.3); c.884T>C, p.Ile295Thr (NM_001316339.2); short protein forms I295T, I324T, I417T.
Identifiers: ClinVar variation 2650055 (VCV002650055.24), dbSNP rs147632606, ClinGen allele CA9484233.
Genomic context (GRCh38, chr19:43,193,382, plus strand): 5'-GCTCTTCGTGATTCCATGGGAGAAAATGGAATTGGAGGAACTAGTAGAATTCAGGGTAAT[A>G]TCCAGTCTACAGGTGGATAATAAAAACACAGAAACAATGAACAGAGCTGCAATCTCATAA-3'
Protein context (NP_002771.2, residues 407-419): KSITVKVSDW[Ile417Thr]LP